The following is an entry in ClinVar:

NM_001348946.2(ABCB1):c.729A>G (p.Glu243=)

Gene: ABCB1 (ATP binding cassette subfamily B member 1; minus strand). Cytogenetic location: 7q21.12.
Variant type: single nucleotide variant.
Coding change: c.729A>G on transcript NM_001348946.2 (MANE Select); coding-DNA position 729, A replaced by G.
Protein change: p.Glu243=; no amino-acid change (glutamic acid 243 retained).
Molecular consequence: synonymous variant.
Genome position (GRCh38, 1-based): chr7:87,561,361, T>C on the plus strand (A>G on the coding strand, the complement: ABCB1 is on the minus strand). VCF-style: chr7-87561361-T-C. GRCh37 (hg19) VCF-style: chr7-87190677-T-C.
Other names: c.729A>G, p.Glu243= (NM_000927.5, NM_001348944.2); c.939A>G, p.Glu313= (NM_001348945.2).
Identifiers: ClinVar variation 719175 (VCV000719175.29), dbSNP rs2235022, ClinGen allele CA4328506.
Genomic context (GRCh38, chr7:87,561,361, plus strand): 5'-AGTTCTAATTGCTGCCAAGACCTCTTCAGCTACTGCTCCAGCTTTTGCATACGCTAAGAG[T>C]TCTTTATCAGTAAATGAAGATAGTATCTGTTTAAAAATACAATTTTGGATCATGAAAAAA-3'
Protein context (NP_001335875.1, residues 233-253): AKILSSFTDK[Glu243=]LLAYAKAGAV

ClinVar aggregate classification (germline): Benign/Likely benign. Review status: criteria provided, multiple submitters, no conflicts (2 of 4 stars). 3 submissions from 3 submitters: Benign (2); Likely benign (1). Last evaluated 2022-04-01.

Allele frequency attached by ClinVar (database versions not stated): 1000 Genomes Project 0.00240; 1000 Genomes Project 30x 0.00265; TOPMed 0.00320; gnomAD 0.00330 and 0.00340; gnomAD exomes 0.00418 and 0.00471; ExAC 0.00475; ESP Exome Variant Server 0.00492.
gnomAD v4.1: 7,364 of 1,613,474 alleles (0.46%); highest among the groups gnomAD compares: South Asian, 0.58%; 25 homozygotes.

Submissions (3):

CeGaT Center for Human Genetics Tuebingen
Classification: Likely benign. Last evaluated: 2022-04-01. Review status: criteria provided, single submitter. Criteria: CeGaT Center For Human Genetics Tuebingen Variant Classification Criteria Version 2. Collection method: clinical testing. Allele origin: germline. Affected: yes. Observed: 1 variant allele.
Comment: ABCB1: BP4, BS2

Labcorp Genetics (formerly Invitae), Labcorp
Classification: Benign. Last evaluated: 2019-12-31. Review status: criteria provided, single submitter. Criteria: Invitae Variant Classification Sherloc (09022015). Collection method: clinical testing. Allele origin: germline.

Breakthrough Genomics
Classification: Benign. Review status: criteria provided, single submitter. Criteria: ACMG Guidelines, 2015. Collection method: not provided. Allele origin: germline. Inheritance: Unknown mechanism. Affected: yes.